The following is an entry in ClinVar:

NM_000944.5(PPP3CA):c.41C>T (p.Thr14Ile)

Gene: PPP3CA (protein phosphatase 3 catalytic subunit alpha; minus strand). Cytogenetic location: 4q24.
Variant type: single nucleotide variant.
Coding change: c.41C>T on transcript NM_000944.5 (MANE Select); coding-DNA position 41, C replaced by T.
Protein change: p.Thr14Ile; replaces threonine 14 with isoleucine.
Molecular consequence: missense variant.
Genome position (GRCh38, 1-based): chr4:101,346,756, G>A on the plus strand (C>T on the coding strand, the complement: PPP3CA is on the minus strand). VCF-style: chr4-101346756-G-A. GRCh37 (hg19) VCF-style: chr4-102267913-G-A.
Other names: c.41C>T, p.Thr14Ile (NM_001130691.2, NM_001130692.2); c.41C>T (NM_000944.4); short protein forms T14I.
Identifiers: ClinVar variation 1969693 (VCV001969693.6), dbSNP rs1309941061, ClinGen allele CA357949489.

ClinVar aggregate classification (germline): Uncertain significance. Review status: criteria provided, multiple submitters, no conflicts (2 of 4 stars). 2 submissions from 2 submitters: Uncertain significance (2). Last evaluated 2025-09-28.

Conditions:
Inborn genetic diseases. Identifiers: MedGen C0950123, MeSH D030342.

Allele frequency attached by ClinVar (database versions not stated): gnomAD 0.00001; TOPMed 0.00002.
gnomAD v4.1: 57 of 1,611,632 alleles (0.0035%); highest among the groups gnomAD compares: Non-Finnish European, 0.0044%; no homozygotes.

Submissions (2):

Ambry Genetics
Classification: Uncertain significance for Inborn genetic diseases. Last evaluated: 2025-09-28. Review status: criteria provided, single submitter. Criteria: Ambry Variant Classification Scheme 2023. Collection method: clinical testing. Allele origin: germline.

Labcorp Genetics (formerly Invitae), Labcorp
Classification: Uncertain significance. Last evaluated: 2023-09-09. Review status: criteria provided, single submitter. Criteria: Invitae Variant Classification Sherloc (09022015). Collection method: clinical testing. Allele origin: germline.
Comment: In summary, the available evidence is currently insufficient to determine the role of this variant in disease. Therefore, it has been classified as a Variant of Uncertain Significance. An algorithm developed to predict the effect of missense changes on protein structure and function (PolyPhen-2) suggests that this variant is likely to be tolerated. ClinVar contains an entry for this variant (Variation ID: 1969693). This variant has not been reported in the literature in individuals affected with PPP3CA-related conditions. This variant is present in population databases (no rsID available, gnomAD 0.004%). This sequence change replaces threonine, which is neutral and polar, with isoleucine, which is neutral and non-polar, at codon 14 of the PPP3CA protein (p.Thr14Ile).